The following is an entry in ClinVar:

ClinVar aggregate classification (germline): Benign/Likely benign. Review status: criteria provided, multiple submitters, no conflicts (2 of 4 stars). 3 submissions from 3 submitters: Benign (2); Likely benign (1). Last evaluated 2026-01-12.

Allele frequency attached by ClinVar (database versions not stated): gnomAD exomes 0.00038; gnomAD 0.00046 and 0.00047; TOPMed 0.00051; ESP Exome Variant Server 0.00085.
gnomAD v4.1: 663 of 1,614,036 alleles (0.041%); highest among the groups gnomAD compares: Non-Finnish European, 0.0076%; 4 homozygotes.

Submissions (3):

Labcorp Genetics (formerly Invitae), Labcorp
Classification: Benign. Last evaluated: 2026-01-12. Review status: criteria provided, single submitter. Criteria: Invitae Variant Classification Sherloc (09022015). Collection method: clinical testing. Allele origin: germline.

Mayo Clinic Laboratories, Mayo Clinic
Classification: Benign. Last evaluated: 2025-07-23. Review status: criteria provided, single submitter. Criteria: ACMG Guidelines, 2015. Collection method: clinical testing. Allele origin: germline. Observed: 2 variant alleles.
Comment: BS1, BS2, BP4_moderate

CeGaT Center for Human Genetics Tuebingen
Classification: Likely benign. Last evaluated: 2023-12-01. Review status: criteria provided, single submitter. Criteria: CeGaT Center For Human Genetics Tuebingen Variant Classification Criteria Version 2. Collection method: clinical testing. Allele origin: germline. Affected: yes. Observed: 1 variant allele.
Comment: VPS13D: BP4

NM_015378.4(VPS13D):c.10636A>G (p.Met3546Val)

Gene: VPS13D (vacuolar protein sorting 13 homolog D; plus strand). Cytogenetic location: 1p36.22.
Variant type: single nucleotide variant.
Coding change: c.10636A>G on transcript NM_015378.4 (MANE Select); coding-DNA position 10636, A replaced by G.
Protein change: p.Met3546Val; replaces methionine 3546 with valine.
Molecular consequence: missense variant.
Genome position (GRCh38, 1-based): chr1:12,369,530, A>G. VCF-style: chr1-12369530-A-G. GRCh37 (hg19) VCF-style: chr1-12429585-A-G.
Other names: p.Met3546Val; c.10561A>G, p.Met3521Val (NM_018156.4); short protein forms M3521V, M3546V.
Identifiers: ClinVar variation 1647495 (VCV001647495.31), dbSNP rs142394129, ClinGen allele CA603756.